The following is an entry in ClinVar:

NM_001845.6(COL4A1):c.4593G>A (p.Met1531Ile)

Gene: COL4A1 (collagen type IV alpha 1 chain; minus strand). Cytogenetic location: 13q34.
Variant type: single nucleotide variant.
Coding change: c.4593G>A on transcript NM_001845.6 (MANE Select); coding-DNA position 4593, G replaced by A.
Protein change: p.Met1531Ile; replaces methionine 1531 with isoleucine.
Molecular consequence: missense variant.
Genome position (GRCh38, 1-based): chr13:110,161,239, C>T on the plus strand (G>A on the coding strand, the complement: COL4A1 is on the minus strand). VCF-style: chr13-110161239-C-T. GRCh37 (hg19) VCF-style: chr13-110813586-C-T.
Other names: short protein forms M1531I.
Identifiers: ClinVar variation 2830857 (VCV002830857.4), dbSNP rs2501734857, ClinGen allele CA388657166.

ClinVar aggregate classification (germline): Uncertain significance. Review status: criteria provided, multiple submitters, no conflicts (2 of 4 stars). 2 submissions from 2 submitters: Uncertain significance (2). Last evaluated 2024-09-27.

Conditions:
Brain small vessel disease 1 with or without ocular anomalies (BSVD1). Also called: PORENCEPHALY, TYPE 1, AUTOSOMAL DOMINANT; GOULD SYNDROME 1; Brain small vessel disease with or without ocular anomalies; BRAIN SMALL VESSEL DISEASE WITH HEMORRHAGE. Identifiers: Orphanet 2940, Orphanet 36383, Orphanet 99810, MedGen C4755307, MONDO:0008289, OMIM 175780.

Submissions (2):

3billion
Classification: Uncertain significance for Brain small vessel disease 1 with or without ocular anomalies. Last evaluated: 2024-09-27. Review status: criteria provided, single submitter. Criteria: ACMG Guidelines, 2015. Collection method: clinical testing. Allele origin: germline. Affected: yes.
Comment: The variant is not observed in the gnomAD v4.0.0 dataset. Predicted Consequence/Location: Missense variant. Missense changes are a common disease-causing mechanism. In silico tool predictions suggest damaging effect of the variant on gene or gene product [3Cnet: 0.74 (>=0.6, sensitivity 0.72 and precision 0.9)]. The variant has been reported as of uncertain significance (ClinVar ID: VCV002830857). Therefore, this variant is classified as VUS according to the recommendation of ACMG/AMP guideline.

Labcorp Genetics (formerly Invitae), Labcorp
Classification: Uncertain significance. Last evaluated: 2023-01-21. Review status: criteria provided, single submitter. Criteria: Invitae Variant Classification Sherloc (09022015). Collection method: clinical testing. Allele origin: germline.
Comment: In summary, the available evidence is currently insufficient to determine the role of this variant in disease. Therefore, it has been classified as a Variant of Uncertain Significance. Algorithms developed to predict the effect of missense changes on protein structure and function are either unavailable or do not agree on the potential impact of this missense change (SIFT: "Deleterious"; PolyPhen-2: "Not Available"; Align-GVGD: "Class C0"). This variant has not been reported in the literature in individuals affected with COL4A1-related conditions. This variant is not present in population databases (gnomAD no frequency). This sequence change replaces methionine, which is neutral and non-polar, with isoleucine, which is neutral and non-polar, at codon 1531 of the COL4A1 protein (p.Met1531Ile).